The following is an entry in ClinVar:

ClinVar aggregate classification (germline): Pathogenic (1 of 4 stars; one submission).

Conditions:
Cohen syndrome (COH1). Also called: PEPPER SYNDROME; Cutis verticis gyrata, retinitis pigmentosa, and sensorineural deafness. Identifiers: Orphanet 193, MedGen C0265223, MONDO:0008999, OMIM 216550.

Submission:

Labcorp Genetics (formerly Invitae), Labcorp
Classification: Pathogenic for Cohen syndrome. Last evaluated: 2020-09-20. Review status: criteria provided, single submitter. Criteria: Invitae Variant Classification Sherloc (09022015). Collection method: clinical testing. Allele origin: germline.
Comment: This sequence change creates a premature translational stop signal (p.Gln809*) in the VPS13B gene. It is expected to result in an absent or disrupted protein product. For these reasons, this variant has been classified as Pathogenic. Loss-of-function variants in VPS13B are known to be pathogenic (PMID: 15141358, 16648375, 20461111). Algorithms developed to predict the effect of sequence changes on RNA splicing suggest that this variant may create or strengthen a splice site, but this prediction has not been confirmed by published transcriptional studies. This variant has not been reported in the literature in individuals with VPS13B-related conditions. This variant is not present in population databases (ExAC no frequency).

Literature cited by the submitters: PubMed 15141358; PubMed 16648375; PubMed 20461111.

NM_152564.5(VPS13B):c.2425C>T (p.Gln809Ter)

Gene: VPS13B (vacuolar protein sorting 13 homolog B; plus strand). Cytogenetic location: 8q22.2.
Variant type: single nucleotide variant.
Coding change: c.2425C>T on transcript NM_152564.5 (MANE Select); coding-DNA position 2425, C replaced by T.
Protein change: p.Gln809Ter; replaces glutamine 809 with a stop codon.
Molecular consequence: nonsense.
Genome position (GRCh38, 1-based): chr8:99,192,967, C>T. VCF-style: chr8-99192967-C-T. GRCh37 (hg19) VCF-style: chr8-100205195-C-T.
Other names: c.2425C>T, p.Gln809Ter (NM_015243.3, NM_017890.5); short protein forms Q809*.
Identifiers: ClinVar variation 1075879 (VCV001075879.7), dbSNP rs2132728269, ClinGen allele CA371861646.
Genomic context (GRCh38, chr8:99,192,967, plus strand): 5'-GGTATATTTGAACTTCCAAATCTCACAATTCAAGCTACAAGAGCACAGACACTTCTCTTG[C>T]AAGCAATATATCAAAGTTGGTCTCATCTTGGAAATGTCAGCTCTTCCGCAGTGATTGAAG-3'